The following is an entry in ClinVar:

ClinVar aggregate classification (germline): Uncertain significance (1 of 4 stars; one submission).

Submission:

GeneDx
Classification: Uncertain significance. Last evaluated: 2023-07-25. Review status: criteria provided, single submitter. Criteria: GeneDx Variant Classification Process June 2021. Collection method: clinical testing. Allele origin: germline. Affected: yes.
Comment: Frameshift variant predicted to result in protein truncation or nonsense mediated decay in a gene or region of a gene for which loss of function is not a well-established mechanism of disease; Not observed at significant frequency in large population cohorts (gnomAD); Has not been previously published as pathogenic or benign to our knowledge

NM_006922.4(SCN3A):c.4345_4346dup (p.Ile1450fs)

Gene: SCN3A (sodium voltage-gated channel alpha subunit 3; minus strand). Cytogenetic location: 2q24.3.
Variant type: Duplication.
Coding change: c.4345_4346dup on transcript NM_006922.4 (MANE Select); coding-DNA positions 4345 to 4346, 2 bases duplicated (GT; older notation c.4345_4346dupGT).
Protein change: p.Ile1450fs; shifts the reading frame from isoleucine 1450.
Molecular consequence: frameshift variant.
Genome position (GRCh38, 1-based): chr2:165,095,596-165,095,597, AC duplicated on the plus strand (GT on the coding strand, the reverse complement: SCN3A is on the minus strand); duplicating any 2 consecutive bases within chr2:165,095,596-165,095,598 gives the same sequence; the c. name uses the placement nearest the transcript's 3' end. VCF-style (leftmost placement, unchanged base first): chr2-165095595-G-GAC. GRCh37 (hg19) VCF-style: chr2-165952105-G-GAC.
Other names: c.4198_4199dup, p.Ile1401fs (NM_001081676.2, NM_001081677.2); short protein forms I1401fs, I1450fs.
Identifiers: ClinVar variation 2443542 (VCV002443542.3), dbSNP rs2468060063, ClinGen allele CA2580064200.
Genomic context (GRCh38, chr2:165,095,595, plus strand): 5'-ATCTATGATGACACCAATGAATAGATTCAGAGTGAAGAATGACCCAAAGATGATAAAGAT[G>GAC]ACAAAGTATAAATACATGTACAGATTTTCTTCATATACAGGCTGAAGTTTAACCTAAATG-3'